The following is an entry in ClinVar:

NM_001151.4(SLC25A4):c.816A>C (p.Lys272Asn)

Gene: SLC25A4 (solute carrier family 25 member 4; plus strand). Cytogenetic location: 4q35.1.
Variant type: single nucleotide variant.
Coding change: c.816A>C on transcript NM_001151.4 (MANE Select); coding-DNA position 816, A replaced by C.
Protein change: p.Lys272Asn; replaces lysine 272 with asparagine.
Molecular consequence: missense variant.
Genome position (GRCh38, 1-based): chr4:185,146,890, A>C. VCF-style: chr4-185146890-A-C. GRCh37 (hg19) VCF-style: chr4-186068044-A-C.
Other names: short protein forms K272N.
Identifiers: ClinVar variation 3665690 (VCV003665690.2).

ClinVar aggregate classification (germline): Uncertain significance (1 of 4 stars; one submission).

gnomAD v4.1: 1 of 1,614,212 alleles (0.000062%); highest among the groups gnomAD compares: Non-Finnish European, 0.000085%; no homozygotes.

Submission:

Labcorp Genetics (formerly Invitae), Labcorp
Classification: Uncertain significance. Last evaluated: 2024-09-27. Review status: criteria provided, single submitter. Criteria: Invitae Variant Classification Sherloc (09022015). Collection method: clinical testing. Allele origin: germline.
Comment: This sequence change replaces lysine, which is basic and polar, with asparagine, which is neutral and polar, at codon 272 of the SLC25A4 protein (p.Lys272Asn). This variant is not present in population databases (gnomAD no frequency). This variant has not been reported in the literature in individuals affected with SLC25A4-related conditions. Invitae Evidence Modeling of protein sequence and biophysical properties (such as structural, functional, and spatial information, amino acid conservation, physicochemical variation, residue mobility, and thermodynamic stability) indicates that this missense variant is not expected to disrupt SLC25A4 protein function with a negative predictive value of 80%. In summary, the available evidence is currently insufficient to determine the role of this variant in disease. Therefore, it has been classified as a Variant of Uncertain Significance.